The following is an entry in ClinVar:

NM_003119.2:c.183+1_1449+1del

Gene: SPG7 (SPG7 matrix AAA peptidase subunit, paraplegin; plus strand).
Variant type: Deletion.
Identifiers: ClinVar variation 3242464 (VCV003242464.1).

ClinVar aggregate classification (germline): Likely pathogenic (1 of 4 stars; one submission).

Conditions:
Hereditary spastic paraplegia 7 (SPG7). Also called: Autosomal recessive spastic paraplegia type 7; SPASTIC PARAPLEGIA 7, AUTOSOMAL RECESSIVE, WITH OR WITHOUT CEREBELLAR ATAXIA; Spastic paraplegia 7; Hereditary spastic paraplegia Paraplegin type; SPG7-related neurologic disorder. Identifiers: Orphanet 99013, MedGen C1846564, MONDO:0011803, OMIM 607259.

Submission:

PROSPAX: an integrated multimodal progression  chart in spastic ataxias, Center for Neurology; Hertie-Institute for Clinical Brain Research
Classification: Likely pathogenic for Hereditary spastic paraplegia 7. Last evaluated: 2022-01-01. Review status: criteria provided, single submitter. Criteria: ACMG Guidelines, 2015. Collection method: research. Allele origin: germline. Affected: yes.
Comment: Variant seen in compound het: [c.1529C>T;c.183+1_1449+1del]